The following continues an entry in ClinVar:

NM_000059.4(BRCA2):c.8486A>G (p.Gln2829Arg)

Gene: BRCA2. ClinVar aggregate classification (germline): Pathogenic. Pathogenic (1).

Submissions 6 to 16 of 16:

All of Us Research Program, National Institutes of Health
Classification: Likely pathogenic for BRCA2-related cancer predisposition. Last evaluated: 2024-03-25. Review status: criteria provided, single submitter. Criteria: ACMG Guidelines, 2015. Collection method: clinical testing. Allele origin: germline. Inheritance: Autosomal dominant inheritance. Observed: 1 variant allele, 1 heterozygote. Not counted in ClinVar's aggregate classification.
Comment: This variant changes the penultimate nucleotide c.A of exon 19 of the BRCA2 gene and is predicted to impair RNA splicing at the intron 19 splice donor site. This variant is also known as 8714A>G in the literature. RNA studies using carrier-derived lymphocytes have shown that this variant causes in-frame skipping of exon 19 (PMID: 22505045, 29750258, 32123317). A functional study has reported this variant impacts BRCA2 function in the rescue of Brca2-deficient mouse embryonic stem cells (PMID: 33293522). This variant has been observed in at least 4 suspected hereditary breast and ovarian cancer families (PMID: 16489001, 20815029, 26014432, 29446198, 31409081). A multifactorial analysis reported this variant to have a segregation likelihood ratio for pathogenicity of 14.295, derived from 3 families (PMID: 31131967). Loss of BRCA2 function is a known mechanism of disease. Based on the available evidence, this variant is classified as Likely Pathogenic.

This study involves interpretation of variants in research participants for the purpose of population health screening. Participant phenotype was not available at the time of variant classification. Additional details can be found in publication PMID: 35346344, PMCID: PMC8962531

Color Diagnostics, LLC DBA Color Health
Classification: Likely pathogenic for Hereditary cancer-predisposing syndrome. Last evaluated: 2024-01-31. Review status: criteria provided, single submitter. Criteria: ACMG Guidelines, 2015. Collection method: clinical testing. Allele origin: germline. Not counted in ClinVar's aggregate classification.
Comment: This variant changes the penultimate nucleotide c.A of exon 19 of the BRCA2 gene and is predicted to impair RNA splicing at the intron 19 splice donor site. This variant is also known as 8714A>G in the literature. RNA studies using carrier-derived lymphocytes have shown that this variant causes in-frame skipping of exon 19 (PMID: 22505045, 29750258, 32123317). A functional study has reported this variant impacts BRCA2 function in the rescue of Brca2-deficient mouse embryonic stem cells (PMID: 33293522). This variant has been observed in at least 4 suspected hereditary breast and ovarian cancer families (PMID: 16489001, 20815029, 26014432, 29446198, 31409081). A multifactorial analysis reported this variant to have a segregation likelihood ratio for pathogenicity of 14.295, derived from 3 families (PMID: 31131967). Loss of BRCA2 function is a known mechanism of disease. Based on the available evidence, this variant is classified as Likely Pathogenic.

Institute for Clinical Genetics, University Hospital TU Dresden, University Hospital TU Dresden
Classification: Likely pathogenic. Last evaluated: 2023-06-12. Review status: criteria provided, single submitter. Criteria: ACMG Guidelines, 2015. Collection method: clinical testing. Allele origin: germline. Not counted in ClinVar's aggregate classification.
Comment: PM4, PM2_SUP, PS3, BP4

CHEO Genetics Diagnostic Laboratory, Children's Hospital of Eastern Ontario
Classification: Likely pathogenic for Breast and/or ovarian cancer. Last evaluated: 2023-05-01. Review status: criteria provided, single submitter. Criteria: ACMG Guidelines, 2015. Collection method: clinical testing. Allele origin: germline. Not counted in ClinVar's aggregate classification.

Genetics and Molecular Pathology, SA Pathology
Classification: Pathogenic for Breast-ovarian cancer, familial, susceptibility to, 2. Last evaluated: 2021-04-20. Review status: criteria provided, single submitter. Criteria: ACMG Guidelines, 2015. Collection method: clinical testing. Allele origin: germline. Not counted in ClinVar's aggregate classification.
Comment: The BRCA2:c.8486A>G variant is classified as PATHOGENIC (PVS1_O_Strong, PM2, PP3, PP1_Strong). BRCA2:c.8486A>G is a single nucleotide substitution in exon 19 that predicts a missense change from Glutamine to Arginine at position 2829; NP_000050.2(BRCA2).p.(Gln2829Arg). This variant resides at the penultimate coding nucleotide upstream of the adjacent splice donor boundary. No alternative wildtype splice isoforms exist for this gene. BRCA2:c.8486A>G (rs80359100) is not recorded in gnomAD nor the control database FLOSSIES (PM2). Computational analysis supports a deleterious effect, predicting loss of normal wildtype splicing at the adjacent intron19 splice donor site (Alamut Visual Plus 1.5.1) (PP3). Independent splicing assays confirm this variant disrupts normal mRNA splicing, causing in-frame skipping of exon 19 resulting in a transcript that encodes loss of 51 amino acids from the highly conserved DNA binding domain important to normal BRCA2 function (Houdayer et al., 2012 PMID:22505045, Acedo et al., 2015 PMID:25382762, Kraus et., 2017 PMID:27616075, Wai et al., 2020 PMID:32123317) (PVS1_O_Strong). Another BRCA2 splicing variant (BRCA2:c.8487+1G>A) downstream of BRCA2:c.8486A>G also causes in-frame skipping of exon 19 and has been classified as pathogenic by the ENIGMA Expert Panel (ClinVar Variation ID: 52602). BRCA2:c.8486A>G has been reported in the scientific literature in multiple unrelated individuals with breast cancer (Kraus et al., 2017 PMID:27616075, Lee et al., 2018 PMID:30415210). This variant demonstrates disease segregation in 2 unrelated families with BRCA2-related cancers (South Australian Clinical Genetics Service; personal communication) (PP1_Strong). Multiple diagnostic laboratories report this variant as Pathogenic/Likely Pathogenic in patients with hereditary breast and ovarian cancer syndrome (ClinVar Variation ID: 38161). This variant is listed in HGMD as ‘disease causing mutation?’ in association with Breast cancer (Accession: CM128970).

Department of Pathology and Laboratory Medicine, Sinai Health System
Classification: Likely pathogenic for BRCA2-related cancer predisposition. Last evaluated: 2020-06-15. Review status: criteria provided, single submitter. Criteria: ACMG Guidelines, 2015. Collection method: clinical testing. Allele origin: germline. Affected: no. Not counted in ClinVar's aggregate classification.

Women's Health and Genetics/Laboratory Corporation of America, LabCorp
Classification: Likely pathogenic for Hereditary breast ovarian cancer syndrome. Last evaluated: 2017-02-07. Review status: criteria provided, single submitter. Criteria: LabCorp Variant Classification Summary - May 2015. Collection method: clinical testing. Allele origin: germline. Not counted in ClinVar's aggregate classification.
Comment: Variant summary: The BRCA2 c.8486A>G (p.Gln2829Arg) variant involves the alteration of a conserved nucleotide, which 4/5 in silico tools predict a damaging outcome for this variant. This variant is located at < 2nt from the intron-exon junction, which 3/5 splice prediction tools predict a significant impact on normal splicing and ESE finder predicting that this variant may affect ESE binding sites for SRp50 and SF2/ASF and might add binding sites for SRp55. One functional study, Houdayer _2012, testing this variant in lymphocytes found it to cause an inframe mutation resulting in exon 19 skipping, with no wildtype transcript being produced. This variant is absent in 120974 control chromosomes, which does not exceed the estimated maximum expected allele frequency for a pathogenic BRCA2 variant of 1/1333. The variant was observed in affected individuals via publications. Multiple clinical diagnostic laboratories/reputable databases have reported the variant with conflicting classifications, predominantly as "likely pathogenic/pathogenic," and others classifying it as "uncertain significance." Taken together, this variant is classified as likely pathogenic.

Consortium of Investigators of Modifiers of BRCA1/2 (CIMBA), c/o University of Cambridge
Classification: Pathogenic for Breast-ovarian cancer, familial, susceptibility to, 2. Last evaluated: 2015-10-02. Review status: criteria provided, single submitter. Criteria: CIMBA Mutation Classification guidelines May 2016. Collection method: clinical testing. Allele origin: germline. Not counted in ClinVar's aggregate classification.

CZECANCA consortium
Classification: Pathogenic for Breast and/or ovarian cancer. Last evaluated: 2019-06-11. Review status: no assertion criteria provided. Collection method: clinical testing. Allele origin: germline. Affected: yes. Observed: 1 variant allele. Not counted in ClinVar's aggregate classification.

Institute of Human Genetics, Medical University Innsbruck
Classification: Likely pathogenic for Breast-ovarian cancer, familial 2. Last evaluated: 2015-02-11. Review status: no assertion criteria provided. Criteria: clinical testing. Collection method: clinical testing. Allele origin: germline. Affected: yes. Study: BRCA-Tyrol. Not counted in ClinVar's aggregate classification.
Comment: BRCA-mutation spectrum Western Austria

Sharing Clinical Reports Project (SCRP)
Classification: Uncertain significance for Breast-ovarian cancer, familial 2. Last evaluated: 2012-05-01. Review status: flagged submission. Collection method: clinical testing. Allele origin: germline. Not counted in ClinVar's aggregate classification.
ClinVar note: Reason: Outlier claim with insufficient supporting evidence

Literature cited by the submitters: PubMed 22505045 (cited by 8 submitters); PubMed 22762150 (cited by 4 submitters); PubMed 27616075 (cited by 8 submitters); PubMed 29446198 (cited by 4 submitters); PubMed 30415210 (cited by 3 submitters); PubMed 16489001 (cited by 6 submitters); PubMed 12442275 (cited by Labcorp Genetics (formerly Invitae), Labcorp); PubMed 15889636 (cited by Labcorp Genetics (formerly Invitae), Labcorp); PubMed 16030099 (cited by Labcorp Genetics (formerly Invitae), Labcorp); PubMed 23108138 (cited by Labcorp Genetics (formerly Invitae), Labcorp); PubMed 23233716 (cited by Labcorp Genetics (formerly Invitae), Labcorp); PubMed 25777348 (cited by Labcorp Genetics (formerly Invitae), Labcorp); PubMed 12601471 (cited by 4 submitters); PubMed 23146383 (cited by 3 submitters); PubMed 25382762 (cited by 3 submitters); PubMed 31409081 (cited by 3 submitters); PubMed 32123317 (cited by 5 submitters); PubMed 33293522 (cited by 4 submitters); PubMed 33875706 (cited by 4 submitters); PubMed 31131967 (cited by 3 submitters); PubMed 34326862 (cited by Quest Diagnostics Nichols Institute San Juan Capistrano); PubMed 34663891 (cited by Quest Diagnostics Nichols Institute San Juan Capistrano); PubMed 27060066 (cited by Quest Diagnostics Nichols Institute San Juan Capistrano and Department of Pathology and Laboratory Medicine, Sinai Health System); PubMed 20815029 (cited by All of Us Research Program, National Institutes of Health and Color Diagnostics, LLC DBA Color Health); PubMed 26014432 (cited by All of Us Research Program, National Institutes of Health and Color Diagnostics, LLC DBA Color Health); PubMed 29750258 (cited by All of Us Research Program, National Institutes of Health and Color Diagnostics, LLC DBA Color Health); PubMed 32295079 (cited by CZECANCA consortium).